The following is an entry in ClinVar:

NM_001164508.2(NEB):c.16544A>C (p.Lys5515Thr)

Gene: NEB (nebulin; minus strand). Cytogenetic location: 2q23.3.
Variant type: single nucleotide variant.
Coding change: c.16544A>C on transcript NM_001164508.2 (MANE Select); coding-DNA position 16544, A replaced by C.
Protein change: p.Lys5515Thr; replaces lysine 5515 with threonine.
Molecular consequence: missense variant. On other transcripts: intron variant (1).
Genome position (GRCh38, 1-based): chr2:151,579,498, T>G on the plus strand (A>C on the coding strand, the complement: NEB is on the minus strand). VCF-style: chr2-151579498-T-G. GRCh37 (hg19) VCF-style: chr2-152436012-T-G.
Other names: c.16544A>C, p.Lys5515Thr (NM_001164507.2, NM_001271208.2); c.11602-3144A>C (NM_004543.5); short protein forms K5515T.
Identifiers: ClinVar variation 257764 (VCV000257764.6), dbSNP rs62174690, ClinGen allele CA1908420.
Genomic context (GRCh38, chr2:151,579,498, plus strand): 5'-GCCAGTGCCTGACCTTCTTTGGCAGCGCTGATGGACACCATGTCCACAGGGATGGAGATC[T>G]TGGCTTTGTGGTCGTTGTAGGCCTTTTTGTACAGCCTGTCATTCTGCATCTTCAACACAT-3'
Protein context (NP_001157980.2, residues 5505-5525): YKKAYNDHKA[Lys5515Thr]ISIPVDMVSI

ClinVar aggregate classification (germline): Benign. Review status: criteria provided, multiple submitters, no conflicts (2 of 4 stars). 6 submissions from 6 submitters: Benign (4). 2 of the submissions do not count toward it. Last evaluated 2024-11-26.

Allele frequency attached by ClinVar (database versions not stated): gnomAD 0.19114; 1000 Genomes Project 30x 0.20315; TOPMed 0.22135; gnomAD exomes 0.26150 and 0.28574; ExAC 0.34365.

Submissions (6):

Blueprint Genetics
Classification: Benign. Last evaluated: 2024-11-26. Review status: criteria provided, single submitter. Criteria: ACMG Guidelines, 2015. Collection method: clinical testing. Allele origin: germline.

GeneDx
Classification: Benign. Last evaluated: 2015-12-22. Review status: criteria provided, single submitter. Criteria: GeneDx Variant Classification (06012015). Collection method: clinical testing. Allele origin: germline. Affected: yes.
Comment: This variant is considered likely benign or benign based on one or more of the following criteria: it is a conservative change, it occurs at a poorly conserved position in the protein, it is predicted to be benign by multiple in silico algorithms, and/or has population frequency not consistent with disease.

Breakthrough Genomics
Classification: Benign. Review status: criteria provided, single submitter. Criteria: ACMG Guidelines, 2015. Collection method: not provided. Allele origin: germline. Inheritance: Autosomal recessive inheritance. Affected: yes.

PreventionGenetics, part of Exact Sciences
Classification: Benign. Review status: criteria provided, single submitter. Criteria: ACMG Guidelines, 2015. Collection method: clinical testing. Allele origin: germline.

Clinical Genetics DNA and cytogenetics Diagnostics Lab, Erasmus MC, Erasmus Medical Center
Classification: Benign. Review status: no assertion criteria provided. Collection method: clinical testing. Allele origin: germline. Affected: yes. Study: VKGL Data-share Consensus. Not counted in ClinVar's aggregate classification.

Genome Diagnostics Laboratory, University Medical Center Utrecht
Classification: Benign. Review status: no assertion criteria provided. Collection method: clinical testing. Allele origin: germline. Affected: yes. Study: VKGL Data-share Consensus. Not counted in ClinVar's aggregate classification.